The following is an entry in ClinVar:

ClinVar aggregate classification (germline): Uncertain significance (1 of 4 stars; one submission).

Conditions:
Inborn genetic diseases. Identifiers: MedGen C0950123, MeSH D030342.

Allele frequency attached by ClinVar (database versions not stated): gnomAD exomes below 0.00001.
gnomAD v4.1: 2 of 1,610,924 alleles (0.00012%); highest among the groups gnomAD compares: Middle Eastern, 0.017%; no homozygotes.

Submission:

Ambry Genetics
Classification: Uncertain significance for Inborn genetic diseases. Last evaluated: 2023-07-26. Review status: criteria provided, single submitter. Criteria: Ambry Variant Classification Scheme 2023. Collection method: clinical testing. Allele origin: germline.
Comment: The p.D589G variant (also known as c.1766A>G), located in coding exon 8 of the ATR gene, results from an A to G substitution at nucleotide position 1766. The aspartic acid at codon 589 is replaced by glycine, an amino acid with similar properties. This amino acid position is conserved. In addition, this alteration is predicted to be tolerated by in silico analysis. Since supporting evidence is limited at this time, the clinical significance of this alteration remains unclear.

NM_001184.4(ATR):c.1766A>G (p.Asp589Gly)

Gene: ATR (ATR checkpoint kinase; minus strand). Cytogenetic location: 3q23.
Variant type: single nucleotide variant.
Coding change: c.1766A>G on transcript NM_001184.4 (MANE Select); coding-DNA position 1766, A replaced by G.
Protein change: p.Asp589Gly; replaces aspartic acid 589 with glycine.
Molecular consequence: missense variant.
Genome position (GRCh38, 1-based): chr3:142,558,743, T>C on the plus strand (A>G on the coding strand, the complement: ATR is on the minus strand). VCF-style: chr3-142558743-T-C. GRCh37 (hg19) VCF-style: chr3-142277585-T-C.
Other names: c.1574A>G, p.Asp525Gly (NM_001354579.2); short protein forms D589G, D525G.
Identifiers: ClinVar variation 2613942 (VCV002613942.2), dbSNP rs1384334751, ClinGen allele CA354821360.
Genomic context (GRCh38, chr3:142,558,743, plus strand): 5'-TTTAAACAGCCATCATCAGAATGGGAATAAATCCATGGAAGTGAGAGCATACCACATAAA[T>C]CTTCCAGGATATGATCTTCAAATGAACTGTTTACTACAGAAGCACAAAATAAGTCATTAA-3'
Protein context (NP_001175.2, residues 579-599): NSSFEDHILE[Asp589Gly]LCGMLSLPWI